The following is an entry in ClinVar:

NM_000062.3(SERPING1):c.1430T>C (p.Phe477Ser)

Gene: SERPING1 (serpin family G member 1; plus strand). Cytogenetic location: 11q12.1.
Variant type: single nucleotide variant.
Coding change: c.1430T>C on transcript NM_000062.3 (MANE Select); coding-DNA position 1430, T replaced by C.
Protein change: p.Phe477Ser; replaces phenylalanine 477 with serine.
Molecular consequence: missense variant.
Genome position (GRCh38, 1-based): chr11:57,614,508, T>C. VCF-style: chr11-57614508-T-C. GRCh37 (hg19) VCF-style: chr11-57381981-T-C.
Other names: c.1430T>C, p.Phe477Ser (NM_001032295.2); short protein forms F477S.
Identifiers: ClinVar variation 3255492 (VCV003255492.2), dbSNP rs2495458494.
Genomic context (GRCh38, chr11:57,614,508, plus strand): 5'-CTGCAGCCTCCGCCATCTCTGTGGCCCGCACCCTGCTGGTCTTTGAAGTGCAGCAGCCCT[T>C]CCTCTTCGTGCTCTGGGACCAGCAGCACAAGTTCCCTGTCTTCATGGGGCGAGTATATGA-3'
Protein context (NP_000053.2, residues 467-487): TLLVFEVQQP[Phe477Ser]LFVLWDQQHK

ClinVar aggregate classification (germline): Pathogenic (1 of 4 stars; one submission).

Conditions:
Hereditary angioedema type 1 (HAE1). Identifiers: Orphanet 100050, Orphanet 100051, Orphanet 91378, MedGen C2717906, MONDO:0015053, OMIM 106100.

Submission:

DNA-diagnostics Laboratory, Research Centre For Medical Genetics
Classification: Pathogenic for Hereditary angioedema type 1. Last evaluated: 2024-07-21. Review status: criteria provided, single submitter. Criteria: ACMG Guidelines, 2015. Collection method: research. Allele origin: germline. Inheritance: Autosomal dominant inheritance. Affected: yes. Observed: 1 heterozygote.
Comment: According to published information (Verpy et al., 1995, Eldering et al., 1995, Verpy et al., 1996) the c.1430T>C variant in SERPING1 meets ACMG/ClinGen SVI guidance criteria to be classified as pathogenic: PP3_Str, PP4_Str, PS3_Sup, PM2_Sup, PP2

Literature cited by the submitters: PubMed 8755917; DOI 10.1074/jbc.270.6.2579; DOI 10.1172/JCI117663.